The following is an entry in ClinVar:

NM_000059.4(BRCA2):c.1597A>G (p.Thr533Ala)

Gene: BRCA2 (BRCA2 DNA repair associated; plus strand). Cytogenetic location: 13q13.1.
Variant type: single nucleotide variant.
Coding change: c.1597A>G on transcript NM_000059.4 (MANE Select); coding-DNA position 1597, A replaced by G.
Protein change: p.Thr533Ala; replaces threonine 533 with alanine.
Molecular consequence: missense variant.
Genome position (GRCh38, 1-based): chr13:32,333,075, A>G. VCF-style: chr13-32333075-A-G. GRCh37 (hg19) VCF-style: chr13-32907212-A-G.
Other names: short protein forms T533A.
Identifiers: ClinVar variation 462241 (VCV000462241.17), dbSNP rs1555281980, ClinGen allele CA387764821.

ClinVar aggregate classification (germline): Conflicting classifications of pathogenicity. Review status: criteria provided, conflicting classifications (1 of 4 stars). 4 submissions from 4 submitters: Uncertain significance (3); Likely benign (1). Last evaluated 2025-07-30.

Conditions:
Hereditary breast ovarian cancer syndrome. Also called: Hereditary breast and ovarian cancer syndrome (HBOC); Hereditary breast and ovarian cancer syndrome; Breast and ovarian cancer; Hereditary breast and/or ovarian cancer syndrome; Hereditary breast and ovarian cancer; BRCA1- and BRCA2-Associated Hereditary Breast and Ovarian Cancer. Identifiers: Orphanet 145, MedGen C0677776, MeSH D061325, MONDO:0003582. Disease mechanism: loss of function.
Hereditary cancer-predisposing syndrome. Also called: Neoplastic Syndromes, Hereditary; Hereditary Cancer Syndrome; Hereditary neoplastic syndrome; Tumor predisposition. Identifiers: Orphanet 140162, MedGen C0027672, MeSH D009386, MONDO:0015356.

Submissions (4):

Color Diagnostics, LLC DBA Color Health
Classification: Uncertain significance for Hereditary cancer-predisposing syndrome. Last evaluated: 2025-07-30. Review status: criteria provided, single submitter. Criteria: ACMG Guidelines, 2015. Collection method: clinical testing. Allele origin: germline.
Comment: This missense variant replaces threonine with alanine at codon 533 of the BRCA2 protein. Computational prediction suggests that this variant may not impact protein structure and function. To our knowledge, functional studies have not been reported for this variant. This variant has been reported in a suspected hereditary breast cancer family (PMID: 39402389). This variant has not been identified in the general population by the Genome Aggregation Database (gnomAD). The available evidence is insufficient to determine the role of this variant in disease conclusively. Therefore, this variant is classified as a Variant of Uncertain Significance.

Ambry Genetics
Classification: Uncertain significance for Hereditary cancer-predisposing syndrome. Last evaluated: 2024-05-26. Review status: criteria provided, single submitter. Criteria: Ambry Variant Classification Scheme 2023. Collection method: clinical testing. Allele origin: germline.
Comment: The p.T533A variant (also known as c.1597A>G), located in coding exon 9 of the BRCA2 gene, results from an A to G substitution at nucleotide position 1597. The threonine at codon 533 is replaced by alanine, an amino acid with similar properties. This amino acid position is poorly conserved in available vertebrate species. In addition, this alteration is predicted to be tolerated by in silico analysis. Since supporting evidence is limited at this time, the clinical significance of this alteration remains unclear.

Labcorp Genetics (formerly Invitae), Labcorp
Classification: Uncertain significance for Hereditary breast ovarian cancer syndrome. Last evaluated: 2024-01-03. Review status: criteria provided, single submitter. Criteria: Invitae Variant Classification Sherloc (09022015). Collection method: clinical testing. Allele origin: germline.
Comment: This sequence change replaces threonine, which is neutral and polar, with alanine, which is neutral and non-polar, at codon 533 of the BRCA2 protein (p.Thr533Ala). This variant is not present in population databases (gnomAD no frequency). This variant has not been reported in the literature in individuals affected with BRCA2-related conditions. ClinVar contains an entry for this variant (Variation ID: 462241). Advanced modeling of protein sequence and biophysical properties (such as structural, functional, and spatial information, amino acid conservation, physicochemical variation, residue mobility, and thermodynamic stability) performed at Invitae indicates that this missense variant is not expected to disrupt BRCA2 protein function with a negative predictive value of 95%. In summary, the available evidence is currently insufficient to determine the role of this variant in disease. Therefore, it has been classified as a Variant of Uncertain Significance.

University of Washington Department of Laboratory Medicine, University of Washington
Classification: Likely benign for Hereditary cancer-predisposing syndrome. Last evaluated: 2023-03-23. Review status: criteria provided, single submitter. Criteria: Dines et al. (Genet Med. 2020). Collection method: curation. Allele origin: germline.
Comment: Missense variant in a coldspot region where missense variants are very unlikely to be pathogenic (PMID:31911673).

BRCA2 exon 10 coldspot. Reclassification based on statistical prior probability.

Literature cited by the submitters: PubMed 39402389 (cited by Color Diagnostics, LLC DBA Color Health).